The following is an entry in ClinVar:

ClinVar aggregate classification (germline): Uncertain significance (1 of 4 stars; one submission).

gnomAD v4.1: 2 of 1,613,882 alleles (0.00012%); highest among the groups gnomAD compares: African/African-American, 0.0013%; no homozygotes.

Submission:

Women's Health and Genetics/Laboratory Corporation of America, LabCorp
Classification: Uncertain significance. Last evaluated: 2025-09-30. Review status: criteria provided, single submitter. Criteria: LabCorp Variant Classification Summary - May 2015. Collection method: clinical testing. Allele origin: germline.
Comment: Variant summary: HPS3 c.2022C>G (p.Ile674Met) results in a conservative amino acid change in the encoded protein sequence. Algorithms developed to predict the effect of missense changes on protein structure and function all suggest that this variant is likely to be tolerated. The variant was absent in 250990 control chromosomes. The available data on variant occurrences in the general population are insufficient to allow any conclusion about variant significance. To our knowledge, no occurrence of c.2022C>G in individuals affected with HPS3-related conditions and no experimental evidence demonstrating its impact on protein function have been reported. No submitters have cited clinical-significance assessments for this variant to ClinVar. Based on the evidence outlined above, the variant was classified as uncertain significance.

NM_032383.5(HPS3):c.2022C>G (p.Ile674Met)

Gene: HPS3 (HPS3 biogenesis of lysosomal organelles complex 2 subunit 1; plus strand). Cytogenetic location: 3q24.
Variant type: single nucleotide variant.
Coding change: c.2022C>G on transcript NM_032383.5 (MANE Select); coding-DNA position 2022, C replaced by G.
Protein change: p.Ile674Met; replaces isoleucine 674 with methionine.
Molecular consequence: missense variant.
Genome position (GRCh38, 1-based): chr3:149,160,195, C>G. VCF-style: chr3-149160195-C-G. GRCh37 (hg19) VCF-style: chr3-148877982-C-G.
Other names: c.1527C>G, p.Ile509Met (NM_001308258.2); short protein forms I509M, I674M.
Identifiers: ClinVar variation 4536044 (VCV004536044.1).